The following is an entry in ClinVar:

ClinVar aggregate classification (germline): Uncertain significance (1 of 4 stars; one submission).

Conditions:
Familial sleep-related hypermotor epilepsy. Also called: Autosomal Dominant Sleep-Related Hypermotor (Hyperkinetic) Epilepsy. Identifiers: Orphanet 98784, MedGen C3696898, MONDO:0000030.

Submission:

Labcorp Genetics (formerly Invitae), Labcorp
Classification: Uncertain significance. Last evaluated: 2024-04-27. Review status: criteria provided, single submitter. Criteria: Invitae Variant Classification Sherloc (09022015). Collection method: clinical testing. Allele origin: germline.
Comment: This sequence change replaces asparagine, which is neutral and polar, with aspartic acid, which is acidic and polar, at codon 381 of the CHRNA2 protein (p.Asn381Asp). This variant is not present in population databases (gnomAD no frequency). This variant has not been reported in the literature in individuals affected with CHRNA2-related conditions. Advanced modeling of protein sequence and biophysical properties (such as structural, functional, and spatial information, amino acid conservation, physicochemical variation, residue mobility, and thermodynamic stability) performed at Invitae indicates that this missense variant is not expected to disrupt CHRNA2 protein function with a negative predictive value of 80%. In summary, the available evidence is currently insufficient to determine the role of this variant in disease. Therefore, it has been classified as a Variant of Uncertain Significance.

NM_000742.4(CHRNA2):c.1141A>G (p.Asn381Asp)

Gene: CHRNA2 (cholinergic receptor nicotinic alpha 2 subunit; minus strand). Cytogenetic location: 8p21.2.
Variant type: single nucleotide variant.
Coding change: c.1141A>G on transcript NM_000742.4 (MANE Select); coding-DNA position 1141, A replaced by G.
Protein change: p.Asn381Asp; replaces asparagine 381 with aspartic acid.
Molecular consequence: missense variant.
Genome position (GRCh38, 1-based): chr8:27,463,302, T>C on the plus strand (A>G on the coding strand, the complement: CHRNA2 is on the minus strand). VCF-style: chr8-27463302-T-C. GRCh37 (hg19) VCF-style: chr8-27320819-T-C.
Other names: c.1096A>G, p.Asn366Asp (NM_001282455.2); c.664A>G, p.Asn222Asp (NM_001347705.2, NM_001347706.2); c.547A>G, p.Asn183Asp (NM_001347707.2, NM_001347708.2); short protein forms N222D, N366D, N381D, N183D.
Identifiers: ClinVar variation 3667701 (VCV003667701.2).